The following is an entry in ClinVar:

ClinVar aggregate classification (germline): Pathogenic (1 of 4 stars; one submission).

Conditions:
Catecholaminergic polymorphic ventricular tachycardia (CVPT). Also called: Catecholamine-induced polymorphic ventricular tachycardia. Identifiers: Orphanet 3286, MedGen C5574922, MONDO:0017990.

Allele frequency attached by ClinVar (database versions not stated): gnomAD exomes 0.00001; ExAC 0.00002.
gnomAD v4.1: 2 of 1,358,800 alleles (0.00015%); highest among the groups gnomAD compares: South Asian, 0.0023%; no homozygotes.

Submission:

Labcorp Genetics (formerly Invitae), Labcorp
Classification: Pathogenic for Catecholaminergic polymorphic ventricular tachycardia. Last evaluated: 2019-01-03. Review status: criteria provided, single submitter. Criteria: Invitae Variant Classification Sherloc (09022015). Collection method: clinical testing. Allele origin: germline.
Comment: This sequence change creates a premature translational stop signal (p.Gln245*) in the CASQ2 gene. It is expected to result in an absent or disrupted protein product. This variant is present in population databases (rs754834466, ExAC 0.01%). This variant has not been reported in the literature in individuals with CASQ2-related conditions. Loss-of-function variants in CASQ2 are known to be pathogenic (PMID: 12386154). For these reasons, this variant has been classified as Pathogenic.

NM_001232.4(CASQ2):c.733C>T (p.Gln245Ter)

Gene: CASQ2 (calsequestrin 2; minus strand). Cytogenetic location: 1p13.1.
Variant type: single nucleotide variant.
Coding change: c.733C>T on transcript NM_001232.4 (MANE Select); coding-DNA position 733, C replaced by T.
Protein change: p.Gln245Ter; replaces glutamine 245 with a stop codon.
Molecular consequence: nonsense.
Genome position (GRCh38, 1-based): chr1:115,726,996, G>A on the plus strand (C>T on the coding strand, the complement: CASQ2 is on the minus strand). VCF-style: chr1-115726996-G-A. GRCh37 (hg19) VCF-style: chr1-116269617-G-A.
Other names: short protein forms Q245*.
Identifiers: ClinVar variation 859128 (VCV000859128.2), dbSNP rs754834466, ClinGen allele CA1023813.